The following is an entry in ClinVar:

NM_024408.4(NOTCH2):c.4210C>T (p.Pro1404Ser)

Gene: NOTCH2 (notch receptor 2; minus strand). Cytogenetic location: 1p12.
Variant type: single nucleotide variant.
Coding change: c.4210C>T on transcript NM_024408.4 (MANE Select); coding-DNA position 4210, C replaced by T.
Protein change: p.Pro1404Ser; replaces proline 1404 with serine.
Molecular consequence: missense variant.
Genome position (GRCh38, 1-based): chr1:119,925,606, G>A on the plus strand (C>T on the coding strand, the complement: NOTCH2 is on the minus strand). VCF-style: chr1-119925606-G-A. GRCh37 (hg19) VCF-style: chr1-120468229-G-A.
Other names: short protein forms P1404S.
Identifiers: ClinVar variation 4704641 (VCV004704641.1).

ClinVar aggregate classification (germline): Uncertain significance (1 of 4 stars; one submission).

Conditions:
Hajdu-Cheney syndrome (HJCYS). Also called: Acroosteolysis dominant type; ACROOSTEOLYSIS WITH OSTEOPOROSIS AND CHANGES IN SKULL AND MANDIBLE; SERPENTINE FIBULA-POLYCYSTIC KIDNEY SYNDROME. Identifiers: Orphanet 955, MedGen C0917715, MONDO:0007057, OMIM 102500.

Submission:

Labcorp Genetics (formerly Invitae), Labcorp
Classification: Uncertain significance for Hajdu-Cheney syndrome. Last evaluated: 2025-05-04. Review status: criteria provided, single submitter. Criteria: Invitae Variant Classification Sherloc (09022015). Collection method: clinical testing. Allele origin: germline.
Comment: This sequence change replaces proline, which is neutral and non-polar, with serine, which is neutral and polar, at codon 1404 of the NOTCH2 protein (p.Pro1404Ser). This variant is not present in population databases (gnomAD no frequency). This variant has not been reported in the literature in individuals affected with NOTCH2-related conditions. Invitae Evidence Modeling of protein sequence and biophysical properties (such as structural, functional, and spatial information, amino acid conservation, physicochemical variation, residue mobility, and thermodynamic stability) indicates that this missense variant is not expected to disrupt NOTCH2 protein function with a negative predictive value of 80%. In summary, the available evidence is currently insufficient to determine the role of this variant in disease. Therefore, it has been classified as a Variant of Uncertain Significance.